The following is an entry in ClinVar:

ClinVar aggregate classification (germline): Pathogenic (1 of 4 stars; one submission).

Conditions:
Inborn genetic diseases. Identifiers: MedGen C0950123, MeSH D030342.

Allele frequency attached by ClinVar (database versions not stated): gnomAD exomes below 0.00001.

Submission:

Ambry Genetics
Classification: Pathogenic for Inborn genetic diseases. Last evaluated: 2021-08-18. Review status: criteria provided, single submitter. Criteria: Ambry Variant Classification Scheme 2023. Collection method: clinical testing. Allele origin: germline.
Comment: The c.491_492insGT (p.P165Yfs*9) alteration, located in exon 6 (coding exon 6) of the NDUFV2 gene, consists of an insertion of GT at position 491, causing a translational frameshift with a predicted alternate stop codon after 9 amino acids. This alteration is expected to result in loss of function by premature protein truncation or nonsense-mediated mRNA decay. This variant was not reported in population-based cohorts in the Genome Aggregation Database (gnomAD). Based on the available evidence, this alteration is classified as pathogenic.

NM_021074.5(NDUFV2):c.491_492insGT (p.Pro165fs)

Genes: NDUFV2 (NADH:ubiquinone oxidoreductase core subunit V2; plus strand), NDUFV2-AS1 (NDUFV2 antisense RNA 1; minus strand). Cytogenetic location: 18p11.22.
Variant type: Insertion.
Coding change: c.491_492insGT on transcript NM_021074.5 (MANE Select); coding-DNA positions 491 to 492, GT inserted.
Protein change: p.Pro165fs; shifts the reading frame from proline 165.
Molecular consequence: frameshift variant.
Genome position: GRCh38 VCF-style: chr18-9124895-C-CGT. GRCh37 (hg19) VCF-style: chr18-9124893-C-CGT.
Other names: short protein forms P165fs.
Identifiers: ClinVar variation 2398092 (VCV002398092.2), dbSNP rs2510155571, ClinGen allele CA2576453394.